The following is an entry in ClinVar:

NM_000321.3(RB1):c.264+1G>C

Gene: RB1 (RB transcriptional corepressor 1; plus strand). Cytogenetic location: 13q14.2.
Variant type: single nucleotide variant.
Coding change: c.264+1G>C on transcript NM_000321.3 (MANE Select); the canonical splice donor site of the intron after coding-DNA position 264, G replaced by C.
Molecular consequence: splice donor variant.
Genome position (GRCh38, 1-based): chr13:48,307,407, G>C. VCF-style: chr13-48307407-G-C. GRCh37 (hg19) VCF-style: chr13-48881543-G-C.
Other names: c.264+1G>C (NM_001407165.1, NM_001407166.1, NM_001407167.1 and 1 more transcripts).
Identifiers: ClinVar variation 2736016 (VCV002736016.5), dbSNP rs1131690907, ClinGen allele CA388250702.

ClinVar aggregate classification (germline): Pathogenic. Review status: criteria provided, multiple submitters, no conflicts (2 of 4 stars). 3 submissions from 3 submitters: Pathogenic (3). Last evaluated 2026-10-01.

Conditions:
RB1-related disorder. Also called: RB1-related condition.
Retinoblastoma (RB1). Also called: RETINOBLASTOMA, SOMATIC. Identifiers: Orphanet 790, MedGen C0035335, MeSH D012175, MONDO:0008380, OMIM 180200, HP:0009919. Disease mechanism: loss of function. Inheritance: Both sporadic and heritable forms are tested..

Submissions (3):

St. Jude Molecular Pathology, St. Jude Children's Research Hospital
Classification: Pathogenic for Retinoblastoma. Last evaluated: 2026-10-01. Review status: criteria provided, single submitter. Criteria: St. Jude Assertion Criteria 2020. Collection method: clinical testing. Allele origin: germline.
Comment: The RB1 c.264+1G>C intronic change results in a G to C substitution at the +1 position of intron 2 of the RB1 gene. This variant is pred icted to result in loss of the native splice donor site and abnormal gene splicing, resulting in nonsense-mediated decay or an abnormal protein product. This variant has been reported in individuals with retinoblastoma (PMID: 12402348, 34277001, internal data)). This variant is also absent in gnomAD v2.1.1. In summary, this variant meets criteria to be classified as pathogenic.

Blueprint Genetics
Classification: Pathogenic for RB1-related disorders. Last evaluated: 2023-10-27. Review status: criteria provided, single submitter. Criteria: ACMG Guidelines, 2015. Collection method: clinical testing. Allele origin: germline. Affected: yes. Observed: 1 variant allele.

Labcorp Genetics (formerly Invitae), Labcorp
Classification: Pathogenic for Retinoblastoma. Last evaluated: 2023-09-04. Review status: criteria provided, single submitter. Criteria: Invitae Variant Classification Sherloc (09022015). Collection method: clinical testing. Allele origin: germline.
Comment: For these reasons, this variant has been classified as Pathogenic. Algorithms developed to predict the effect of sequence changes on RNA splicing suggest that this variant may disrupt the consensus splice site. This variant is also known as IVS2+1G>C. Disruption of this splice site has been observed in individual(s) with retinoblastoma (PMID: 12402348). This variant is not present in population databases (gnomAD no frequency). This sequence change affects a donor splice site in intron 2 of the RB1 gene. It is expected to disrupt RNA splicing. Variants that disrupt the donor or acceptor splice site typically lead to a loss of protein function (PMID: 16199547), and loss-of-function variants in RB1 are known to be pathogenic (PMID: 17096365).

Literature cited by the submitters: PubMed 12402348 (cited by Labcorp Genetics (formerly Invitae), Labcorp); PubMed 16199547 (cited by Labcorp Genetics (formerly Invitae), Labcorp); PubMed 17096365 (cited by Labcorp Genetics (formerly Invitae), Labcorp).